The following is an entry in ClinVar:

NM_006059.4(LAMC3):c.49G>A (p.Ala17Thr)

Gene: LAMC3 (laminin subunit gamma 3; plus strand). Cytogenetic location: 9q34.12.
Variant type: single nucleotide variant.
Coding change: c.49G>A on transcript NM_006059.4 (MANE Select); coding-DNA position 49, G replaced by A.
Protein change: p.Ala17Thr; replaces alanine 17 with threonine.
Molecular consequence: missense variant.
Genome position (GRCh38, 1-based): chr9:131,009,263, G>A. VCF-style: chr9-131009263-G-A. GRCh37 (hg19) VCF-style: chr9-133884650-G-A.
Other names: short protein forms A17T.
Identifiers: ClinVar variation 1443936 (VCV001443936.5), dbSNP rs1833357192, ClinGen allele CA375250264.

ClinVar aggregate classification (germline): Uncertain significance (1 of 4 stars; one submission).

Allele frequency attached by ClinVar (database versions not stated): TOPMed below 0.00001; gnomAD 0.00001; gnomAD exomes 0.00001.
gnomAD v4.1: 12 of 1,302,572 alleles (0.00092%); highest among the groups gnomAD compares: Non-Finnish European, 0.0012%; no homozygotes.

Submission:

Labcorp Genetics (formerly Invitae), Labcorp
Classification: Uncertain significance. Last evaluated: 2021-08-26. Review status: criteria provided, single submitter. Criteria: Invitae Variant Classification Sherloc (09022015). Collection method: clinical testing. Allele origin: germline.
Comment: This sequence change replaces alanine with threonine at codon 17 of the LAMC3 protein (p.Ala17Thr). The alanine residue is weakly conserved and there is a small physicochemical difference between alanine and threonine. The frequency data for this variant in the population databases is considered unreliable, as metrics indicate insufficient coverage at this position in the ExAC database. This variant has not been reported in the literature in individuals affected with LAMC3-related conditions. Algorithms developed to predict the effect of missense changes on protein structure and function are either unavailable or do not agree on the potential impact of this missense change (SIFT: "Tolerated"; PolyPhen-2: "Not Available"; Align-GVGD: "Class C0"). In summary, the available evidence is currently insufficient to determine the role of this variant in disease. Therefore, it has been classified as a Variant of Uncertain Significance.